The following is an entry in ClinVar:

NM_015338.6(ASXL1):c.398A>G (p.Asn133Ser)

Gene: ASXL1 (ASXL transcriptional regulator 1; plus strand). Cytogenetic location: 20q11.21.
Variant type: single nucleotide variant.
Coding change: c.398A>G on transcript NM_015338.6 (MANE Select); coding-DNA position 398, A replaced by G.
Protein change: p.Asn133Ser; replaces asparagine 133 with serine.
Molecular consequence: missense variant.
Genome position (GRCh38, 1-based): chr20:32,428,349, A>G. VCF-style: chr20-32428349-A-G. GRCh37 (hg19) VCF-style: chr20-31016152-A-G.
Other names: c.368A>G, p.Asn123Ser (NM_001363734.1); short protein forms N133S, N123S.
Identifiers: ClinVar variation 5030303 (VCV005030303.1).

ClinVar aggregate classification (germline): Uncertain significance (1 of 4 stars; one submission).

Conditions:
Inborn genetic diseases. Identifiers: MedGen C0950123, MeSH D030342.

Submission:

Ambry Genetics
Classification: Uncertain significance for Inborn genetic diseases. Last evaluated: 2026-08-16. Review status: criteria provided, single submitter. Criteria: Ambry Variant Classification Scheme 2023. Collection method: clinical testing. Allele origin: germline.
Comment: The p.N133S variant (also known as c.398A>G), located in coding exon 6 of the ASXL1 gene, results from an A to G substitution at nucleotide position 398. The asparagine at codon 133 is replaced by serine, an amino acid with highly similar properties. This amino acid position is conserved. In addition, this alteration is predicted to be tolerated by in silico analysis. Based on the available evidence, the clinical significance of this variant remains unclear.